The following is an entry in ClinVar:

NM_000051.4(ATM):c.5055C>T (p.Thr1685=)

Gene: ATM (ATM serine/threonine kinase; plus strand). Cytogenetic location: 11q22.3.
Variant type: single nucleotide variant.
Coding change: c.5055C>T on transcript NM_000051.4 (MANE Select); coding-DNA position 5055, C replaced by T.
Protein change: p.Thr1685=; no amino-acid change (threonine 1685 retained).
Molecular consequence: synonymous variant.
Genome position (GRCh38, 1-based): chr11:108,299,763, C>T. VCF-style: chr11-108299763-C-T. GRCh37 (hg19) VCF-style: chr11-108170490-C-T.
Other names: c.5055C>T, p.Thr1685= (NM_001351834.2); c.5055C>T (NM_000051.2).
Identifiers: ClinVar variation 132750 (VCV000132750.20), dbSNP rs587780551, ClinGen allele CA332085.

ClinVar aggregate classification (germline): Benign/Likely benign. Review status: criteria provided, multiple submitters, no conflicts (2 of 4 stars). 7 submissions from 7 submitters: Benign (1); Likely benign (6). Last evaluated 2025-12-16.

Conditions:
Familial colorectal cancer type X. Identifiers: Orphanet 440437, MedGen C3896578, MONDO:0018604.
Hereditary cancer-predisposing syndrome. Also called: Tumor predisposition; Hereditary neoplastic syndrome; Neoplastic Syndromes, Hereditary; Hereditary Cancer Syndrome. Identifiers: Orphanet 140162, MedGen C0027672, MeSH D009386, MONDO:0015356.
Familial cancer of breast. Also called: BREAST CANCER, FAMILIAL; Hereditary breast cancer; hereditary breast carcinoma. Identifiers: Orphanet 227535, MedGen C0346153, MONDO:0016419, OMIM 114480. Disease mechanism: loss of function.
Ataxia-telangiectasia syndrome (AT). Also called: ATAXIA-TELANGIECTASIA, COMPLEMENTATION GROUP A; ATAXIA-TELANGIECTASIA, FRESNO VARIANT; Ataxia-telangiectasia; LOUIS-BAR SYNDROME; Cerebello-oculocutaneous telangiectasia; Immunodeficiency with ataxia telangiectasia. Identifiers: Orphanet 100, MedGen C0004135, MONDO:0008840, OMIM 208900.

Allele frequency attached by ClinVar (database versions not stated): gnomAD 0.00001; gnomAD exomes 0.00001; TOPMed 0.00003; ExAC 0.00004.
gnomAD v4.1: 11 of 1,613,794 alleles (0.00068%); highest among the groups gnomAD compares: East Asian, 0.018%; no homozygotes.

Submissions (7):

Labcorp Genetics (formerly Invitae), Labcorp
Classification: Likely benign for Ataxia-telangiectasia syndrome. Last evaluated: 2025-12-16. Review status: criteria provided, single submitter. Criteria: Invitae Variant Classification Sherloc (09022015). Collection method: clinical testing. Allele origin: germline.

Myriad Genetics, Inc.
Classification: Benign for Familial cancer of breast. Last evaluated: 2024-05-22. Review status: criteria provided, single submitter. Criteria: Myriad Autosomal Dominant, Autosomal Recessive and X-Linked Classification Criteria (2023). Collection method: clinical testing. Allele origin: unknown.
Comment: This variant is considered benign. This variant is a silent/synonymous amino acid change and it is not expected to impact splicing.

Women's Health and Genetics/Laboratory Corporation of America, LabCorp
Classification: Likely benign. Last evaluated: 2023-07-27. Review status: criteria provided, single submitter. Criteria: LabCorp Variant Classification Summary - May 2015. Collection method: clinical testing. Allele origin: germline.

Department of Pathology and Laboratory Medicine, Sinai Health System
Classification: Likely benign for Familial colorectal cancer type X. Last evaluated: 2022-09-06. Review status: criteria provided, single submitter. Criteria: ACMG Guidelines, 2015. Collection method: clinical testing. Allele origin: germline. Affected: yes.

Sema4
Classification: Likely benign for Hereditary cancer-predisposing syndrome. Last evaluated: 2021-04-06. Review status: criteria provided, single submitter. Criteria: Sema4 Curation Guidelines. Collection method: curation. Allele origin: germline.

Color Diagnostics, LLC DBA Color Health
Classification: Likely benign for Hereditary cancer-predisposing syndrome. Last evaluated: 2015-12-29. Review status: criteria provided, single submitter. Criteria: ACMG Guidelines, 2015. Collection method: clinical testing. Allele origin: germline.

Ambry Genetics
Classification: Likely benign for Hereditary cancer-predisposing syndrome. Last evaluated: 2015-06-23. Review status: criteria provided, single submitter. Criteria: Ambry Variant Classification Scheme 2023. Collection method: clinical testing. Allele origin: germline.